The following is an entry in ClinVar:

ClinVar aggregate classification (germline): Pathogenic/Likely pathogenic. Review status: criteria provided, multiple submitters, no conflicts (2 of 4 stars). 8 submissions from 8 submitters: Pathogenic (3); Likely pathogenic (3). 2 of the submissions do not count toward it. Last evaluated 2025-09-11.

Conditions:
LBR-related disorder. Also called: LBR-related disorders; LBR-related condition.
Jeune thoracic dystrophy. Also called: Jeune syndrome; Infantile thoracic dystrophy; Thoracic pelvic phalangeal dystrophy; Jeune's syndrome; Chondroectodermal dysplasia-like syndrome; Short-rib thoracic dysplasia. Identifiers: Orphanet 474, MedGen C0265275, MONDO:0018770.
Greenberg dysplasia (GRBGD). Also called: CHONDRODYSTROPHY, HYDROPIC AND PRENATALLY LETHAL TYPE; HEM SKELETAL DYSPLASIA; MOTH-EATEN SKELETAL DYSPLASIA. Identifiers: Orphanet 1426, MedGen C2931048, MONDO:0008974, OMIM 215140.
Regressive spondylometaphyseal dysplasia. Also called: PELGER-HUET ANOMALY WITH MILD SKELETAL ANOMALIES. Identifiers: Orphanet 448267, MedGen C4747922, MONDO:0018663, OMIM 618019.

Allele frequency attached by ClinVar (database versions not stated): gnomAD 0.00002 and 0.00003; gnomAD exomes 0.00002; TOPMed 0.00002; ExAC 0.00004.

Submissions (8):

Labcorp Genetics (formerly Invitae), Labcorp
Classification: Pathogenic. Last evaluated: 2025-09-11. Review status: criteria provided, single submitter. Criteria: Invitae Variant Classification Sherloc (09022015). Collection method: clinical testing. Allele origin: germline.
Comment: This sequence change replaces arginine, which is basic and polar, with glutamine, which is neutral and polar, at codon 512 of the LBR protein (p.Arg512Gln). This variant is present in population databases (rs754049402, gnomAD 0.005%). This missense change has been observed in individual(s) with clinical features of autosomal recessive LBR-related conditions (PMID: 28600779, 29068549). In at least one individual the data is consistent with being in trans (on the opposite chromosome) from a pathogenic variant. ClinVar contains an entry for this variant (Variation ID: 424332). Invitae Evidence Modeling of protein sequence and biophysical properties (such as structural, functional, and spatial information, amino acid conservation, physicochemical variation, residue mobility, and thermodynamic stability) indicates that this missense variant is expected to disrupt LBR protein function with a positive predictive value of 80%. For these reasons, this variant has been classified as Pathogenic.

Genomic Medicine Center of Excellence, King Faisal Specialist Hospital and Research Centre
Classification: Pathogenic for Greenberg dysplasia. Last evaluated: 2025-09-10. Review status: criteria provided, single submitter. Criteria: ACMG Guidelines, 2015. Collection method: clinical testing. Allele origin: germline.

GeneDx
Classification: Likely pathogenic. Last evaluated: 2024-10-30. Review status: criteria provided, single submitter. Criteria: GeneDx Variant Classification Process June 2021. Collection method: clinical testing. Allele origin: germline. Affected: yes.
Comment: The R512Q variant in the LBR gene has not been reported previously as a pathogenic variant, nor as a benign variant, to our knowledge. The R512Q variant is observed in 1/8542 (0.01%) alleles from individuals of East Asian background in the ExAC dataset. The R512Q variant is a semi-conservative amino acid substitution, which may impact secondary protein structure as these residues differ in some properties. This substitution occurs at a position that is conserved across species, and in silico analysis predicts this variant is probably damaging to the protein structure/function. Therefore, we interpret R512Q as a variant of uncertain significance.

Blueprint Genetics
Classification: Pathogenic for LBR-related disorders. Last evaluated: 2024-09-25. Review status: criteria provided, single submitter. Criteria: ACMG Guidelines, 2015. Collection method: clinical testing. Allele origin: germline. Affected: yes. Observed: 5 variant alleles.

Women's Health and Genetics/Laboratory Corporation of America, LabCorp
Classification: Likely pathogenic for LBR-Related Disorders. Last evaluated: 2024-01-07. Review status: criteria provided, single submitter. Criteria: LabCorp Variant Classification Summary - May 2015. Collection method: clinical testing. Allele origin: germline.
Comment: Variant summary: LBR c.1535G>A (p.Arg512Gln) results in a conservative amino acid change in the encoded protein sequence. Four of five in-silico tools predict a damaging effect of the variant on protein function. The variant allele was found at a frequency of 2.4e-05 in 251030 control chromosomes (gnomAD). c.1535G>A has been reported in the literature in bi-allelic individuals affected with LBR-Related Disorders (examples: Monies_2017, and Zhang_2018). These data indicate that the variant may be associated with disease. To our knowledge, no experimental evidence demonstrating an impact on protein function has been reported. The following publications have been ascertained in the context of this evaluation (PMID: 28600779, 29068549). A different variant affecting this residue (c.1534C>T, p.R512W ) has been reported in multiple bi-allelic individuals affected with Skeletal dysplasia (PMID: 30448303, 32360156, 34467646). This data suggests that this residue may play a critical role in protein function. ClinVar contains an entry for this variant (Variation ID: 424332). Based on the evidence outlined above, the variant was classified as likely pathogenic.

Baylor Genetics
Classification: Likely pathogenic for Regressive spondylometaphyseal dysplasia. Last evaluated: 2020-02-12. Review status: criteria provided, single submitter. Criteria: ACMG Guidelines, 2015. Collection method: clinical testing. Allele origin: unknown. Affected: yes.
Comment: This variant was determined to be likely pathogenic according to ACMG Guidelines, 2015 [PMID:25741868].

Dan Cohn Lab, University Of California Los Angeles
Classification: Pathogenic for Asphyxiating thoracic dystrophy. Last evaluated: 2017-06-01. Review status: no assertion criteria provided. Collection method: research. Allele origin: paternal. Affected: yes. Not counted in ClinVar's aggregate classification.

University of Washington Center for Mendelian Genomics, University of Washington
Classification: Likely pathogenic for asphyxiating thoracic dystrophy. Review status: no assertion criteria provided. Collection method: research. Allele origin: inherited. Affected: yes. Not counted in ClinVar's aggregate classification.

Literature cited by the submitters: PubMed 28600779 (cited by Labcorp Genetics (formerly Invitae), Labcorp and Women's Health and Genetics/Laboratory Corporation of America, LabCorp); PubMed 29068549 (cited by 4 submitters).

NM_002296.4(LBR):c.1535G>A (p.Arg512Gln)

Gene: LBR (lamin B receptor; minus strand). Cytogenetic location: 1q42.12.
Variant type: single nucleotide variant.
Coding change: c.1535G>A on transcript NM_002296.4 (MANE Select); coding-DNA position 1535, G replaced by A.
Protein change: p.Arg512Gln; replaces arginine 512 with glutamine.
Molecular consequence: missense variant.
Genome position (GRCh38, 1-based): chr1:225,404,655, C>T on the plus strand (G>A on the coding strand, the complement: LBR is on the minus strand). VCF-style: chr1-225404655-C-T. GRCh37 (hg19) VCF-style: chr1-225592357-C-T.
Other names: c.1535G>A, p.Arg512Gln (NM_194442.3); short protein forms R512Q.
Identifiers: ClinVar variation 424332 (VCV000424332.11), dbSNP rs754049402, ClinGen allele CA1417117.